The following is an entry in ClinVar:

NM_006939.4(SOS2):c.541A>T (p.Ile181Leu)

Gene: SOS2 (SOS Ras/Rho guanine nucleotide exchange factor 2; minus strand). Cytogenetic location: 14q21.3.
Variant type: single nucleotide variant.
Coding change: c.541A>T on transcript NM_006939.4 (MANE Select); coding-DNA position 541, A replaced by T.
Protein change: p.Ile181Leu; replaces isoleucine 181 with leucine.
Molecular consequence: missense variant.
Genome position (GRCh38, 1-based): chr14:50,188,670, T>A on the plus strand (A>T on the coding strand, the complement: SOS2 is on the minus strand). VCF-style: chr14-50188670-T-A. GRCh37 (hg19) VCF-style: chr14-50655388-T-A.
Other names: c.541A>T, p.Ile181Leu (NM_001411020.1); short protein forms I181L.
Identifiers: ClinVar variation 1747417 (VCV001747417.7), dbSNP rs776470985, ClinGen allele CA389648302.

ClinVar aggregate classification (germline): Uncertain significance. Review status: criteria provided, multiple submitters, no conflicts (2 of 4 stars). 2 submissions from 2 submitters: Uncertain significance (2). Last evaluated 2025-06-18.

Conditions:
Cardiovascular phenotype. Identifiers: MedGen CN230736.
Noonan syndrome 9 (NS9). Identifiers: Orphanet 648, MedGen C4225282, MONDO:0014691, OMIM 616559.

gnomAD v4.1: 1 of 1,607,560 alleles (0.000062%); highest among the groups gnomAD compares: Non-Finnish European, 0.000085%; no homozygotes.

Submissions (2):

Labcorp Genetics (formerly Invitae), Labcorp
Classification: Uncertain significance for Noonan syndrome 9. Last evaluated: 2025-06-18. Review status: criteria provided, single submitter. Criteria: Invitae Variant Classification Sherloc (09022015). Collection method: clinical testing. Allele origin: germline.
Comment: This sequence change replaces isoleucine, which is neutral and non-polar, with leucine, which is neutral and non-polar, at codon 181 of the SOS2 protein (p.Ile181Leu). This variant is present in population databases (no rsID available, gnomAD 0.0009%). This variant has not been reported in the literature in individuals affected with SOS2-related conditions. ClinVar contains an entry for this variant (Variation ID: 1747417). Invitae Evidence Modeling of protein sequence and biophysical properties (such as structural, functional, and spatial information, amino acid conservation, physicochemical variation, residue mobility, and thermodynamic stability) indicates that this missense variant is not expected to disrupt SOS2 protein function with a negative predictive value of 95%. In summary, the available evidence is currently insufficient to determine the role of this variant in disease. Therefore, it has been classified as a Variant of Uncertain Significance.

Ambry Genetics
Classification: Uncertain significance for Cardiovascular phenotype. Last evaluated: 2021-08-26. Review status: criteria provided, single submitter. Criteria: Ambry Variant Classification Scheme 2023. Collection method: clinical testing. Allele origin: germline.
Comment: The p.I181L variant (also known as c.541A>T), located in coding exon 5 of the SOS2 gene, results from an A to T substitution at nucleotide position 541. The isoleucine at codon 181 is replaced by leucine, an amino acid with highly similar properties. This amino acid position is conserved. In addition, this alteration is predicted to be tolerated by in silico analysis. Since supporting evidence is limited at this time, the clinical significance of this alteration remains unclear.